The following is an entry in ClinVar:

ClinVar aggregate classification (germline): Uncertain significance (1 of 4 stars; one submission).

Conditions:
PLXNA3-related disorder. Also called: PLXNA3-related condition.

gnomAD v4.1: 11 of 1,150,536 alleles (0.00096%); highest among the groups gnomAD compares: African/African-American, 0.0054%; no homozygotes.

Submission:

PreventionGenetics, part of Exact Sciences
Classification: Uncertain significance for PLXNA3-related condition. Last evaluated: 2026-08-20. Review status: criteria provided, single submitter. Criteria: ACMG Guidelines, 2015. Collection method: clinical testing. Allele origin: germline.
Comment: The PLXNA3 c.506C>G variant is predicted to result in the amino acid substitution p.Thr169Ser. To our knowledge, this variant has not been reported in the literature. This variant is reported in 0.016% of alleles in individuals of African descent in gnomAD. At this time, the clinical significance of this variant is uncertain due to the absence of conclusive functional and genetic evidence.

NM_017514.5(PLXNA3):c.506C>G (p.Thr169Ser)

Gene: PLXNA3 (plexin A3; plus strand). Cytogenetic location: Xq28.
Variant type: single nucleotide variant.
Coding change: c.506C>G on transcript NM_017514.5 (MANE Select); coding-DNA position 506, C replaced by G.
Protein change: p.Thr169Ser; replaces threonine 169 with serine.
Molecular consequence: missense variant.
Genome position (GRCh38, 1-based): chrX:154,460,689, C>G. VCF-style: chrX-154460689-C-G. GRCh37 (hg19) VCF-style: chrX-153689029-C-G.
Other names: short protein forms T169S.
Identifiers: ClinVar variation 4988966 (VCV004988966.1).